The following is an entry in ClinVar:

ClinVar aggregate classification (germline): Pathogenic. Review status: criteria provided, multiple submitters, no conflicts (2 of 4 stars). 5 submissions from 5 submitters: Pathogenic (4). 1 of the submissions does not count toward it. Last evaluated 2026-01-05.

Conditions:
Methylmalonic aciduria due to methylmalonyl-CoA mutase deficiency (MAMM). Also called: Methylmalonic aciduria, mut type. Identifiers: Orphanet 27, MedGen C1855114, MONDO:0009612, OMIM 251000.
Methylmalonic aciduria due to complete methylmalonyl-CoA mutase deficiency.
Methylmalonic acidemia (MMA). Also called: Isolated Methylmalonic Acidemia. Identifiers: MedGen C0268583, MeSH C537358, MONDO:0002012, HP:0002912.

Allele frequency attached by ClinVar (database versions not stated): ExAC 0.00001; gnomAD exomes 0.00001.
gnomAD v4.1: 6 of 1,611,748 alleles (0.00037%); highest among the groups gnomAD compares: East Asian, 0.013%; no homozygotes.

Submissions (5):

Labcorp Genetics (formerly Invitae), Labcorp
Classification: Pathogenic. Last evaluated: 2026-01-05. Review status: criteria provided, single submitter. Criteria: Invitae Variant Classification Sherloc (09022015). Collection method: clinical testing. Allele origin: germline.
Comment: This sequence change creates a premature translational stop signal (p.Leu494*) in the MUT gene. It is expected to result in an absent or disrupted protein product. Loss-of-function variants in MUT are known to be pathogenic (PMID: 15781192). This variant is present in population databases (rs764173488, gnomAD 0.01%). This premature translational stop signal has been observed in individual(s) with methylmalonic acidemia (PMID: 16490061, 23479330). ClinVar contains an entry for this variant (Variation ID: 551275). Algorithms developed to predict the effect of sequence changes on RNA splicing suggest that this variant may disrupt the consensus splice site. For these reasons, this variant has been classified as Pathogenic.

Natera, Inc.
Classification: Pathogenic for Methylmalonic aciduria due to complete methylmalonyl-CoA mutase deficiency. Last evaluated: 2024-09-22. Review status: criteria provided, single submitter. Criteria: Natera Variant Classification Schema (03/2026). Collection method: clinical testing. Allele origin: germline.
Comment: The c.1481T>A variant in MMUT is a nonsense variant predicted to introduce a stop codon at amino acid 494. This variant is expected to result in nonsense mediated decay, truncation, or a dysfunctional protein product. This variant is rare in the general population with a frequency below the threshold expected for the associated phenotype(s). This variant has been observed in one or more individuals affected with the associated recessive disease, as either homozygous or compound heterozygous with a second variant (PMID: 17075691). Given the available evidence, this variant is classified as Pathogenic.

3billion
Classification: Pathogenic for Methylmalonic aciduria due to methylmalonyl-CoA mutase deficiency. Last evaluated: 2023-10-25. Review status: criteria provided, single submitter. Criteria: ACMG Guidelines, 2015. Collection method: clinical testing. Allele origin: germline. Affected: yes.
Comment: The variant is observed at an extremely low frequency in the gnomAD v2.1.1 dataset (total allele frequency: <0.001%). Predicted Consequence/Location: Stop-gained (nonsense): predicted to result in a loss or disruption of normal protein function through nonsense-mediated decay (NMD) or protein truncation. Multiple pathogenic variants are reported downstream of the variant. The variant has been reported to be associated with MMUT-related disorder (ClinVar ID: VCV000551275 /PMID: 16490061). Therefore, this variant is classified as Pathogenic according to the recommendation of ACMG/AMP guideline.

Women's Health and Genetics/Laboratory Corporation of America, LabCorp
Classification: Pathogenic for Methylmalonic acidemia. Last evaluated: 2019-08-05. Review status: criteria provided, single submitter. Criteria: LabCorp Variant Classification Summary - May 2015. Collection method: clinical testing. Allele origin: germline.
Comment: Variant summary: MUT c.1481T>A (p.Leu494X) results in a premature termination codon, predicted to cause a truncation of the encoded protein or absence of the protein due to nonsense mediated decay, which are commonly known mechanisms for disease. Truncations downstream of this position have been classified as pathogenic by our laboratory (e.g. p.Arg511X, p.Ala732fsX6). The variant allele was found at a frequency of 8e-06 in 250250 control chromosomes. c.1481T>A has been reported in the literature in multiple homozygous and compound heterozygous individuals affected with Methylmalonic Acidemia (e.g. Sakamoto_2007, Imataka_2013). These data indicate that the variant is very likely to be associated with disease. To our knowledge, no experimental evidence demonstrating an impact on protein function has been reported. Two clinical diagnostic laboratories have submitted clinical-significance assessments for this variant to ClinVar after 2014 without evidence for independent evaluation, and both of them classified the variant as pathogenic. Based on the evidence outlined above, the variant was classified as pathogenic.

Counsyl
Classification: Pathogenic for Methylmalonic aciduria due to methylmalonyl-CoA mutase deficiency. Last evaluated: 2017-03-28. Review status: no assertion criteria provided. Collection method: clinical testing. Allele origin: unknown. Not counted in ClinVar's aggregate classification.

Literature cited by the submitters: PubMed 15781192 (cited by Labcorp Genetics (formerly Invitae), Labcorp); PubMed 16490061 (cited by 3 submitters); PubMed 23479330 (cited by Labcorp Genetics (formerly Invitae), Labcorp and Women's Health and Genetics/Laboratory Corporation of America, LabCorp); PubMed 17075691 (cited by Natera, Inc. and Women's Health and Genetics/Laboratory Corporation of America, LabCorp).

NM_000255.4(MMUT):c.1481T>A (p.Leu494Ter)

Gene: MMUT (methylmalonyl-CoA mutase; minus strand). Cytogenetic location: 6p12.3.
Variant type: single nucleotide variant.
Coding change: c.1481T>A on transcript NM_000255.4 (MANE Select); coding-DNA position 1481, T replaced by A.
Protein change: p.Leu494Ter; replaces leucine 494 with a stop codon.
Molecular consequence: nonsense.
Genome position (GRCh38, 1-based): chr6:49,447,749, A>T on the plus strand (T>A on the coding strand, the complement: MMUT is on the minus strand). VCF-style: chr6-49447749-A-T. GRCh37 (hg19) VCF-style: chr6-49415462-A-T.
Other names: short protein forms L494*.
Identifiers: ClinVar variation 551275 (VCV000551275.14), dbSNP rs764173488, ClinGen allele CA3846864.
Genomic context (GRCh38, chr6:49,447,749, plus strand): 5'-TGCCTGTTTCGCACTGAAGTATTATCAATTGCCAGAACTTCTACAGCGTCTTCTTTTTCC[A>T]ACTGGTACTTATTTACTCCAACAATTACTTCAGAACCTGGTAATTTCCCAAAGAAAAATT-3'